The following is an entry in ClinVar:

NM_005215.4(DCC):c.2377_2381del (p.Val793fs)

Gene: DCC (DCC netrin 1 receptor; plus strand). Cytogenetic location: 18q21.2.
Variant type: Deletion.
Coding change: c.2377_2381del on transcript NM_005215.4 (MANE Select); coding-DNA positions 2377 to 2381, 5 bases deleted (GTAAT; older notation c.2377_2381delGTAAT).
Protein change: p.Val793fs; shifts the reading frame from valine 793.
Molecular consequence: frameshift variant.
Genome position (GRCh38, 1-based): chr18:53,386,060-53,386,064, GTAAT deleted; deleting any 5 consecutive bases within chr18:53,386,058-53,386,064 gives the same sequence; the c. name uses the placement nearest the transcript's 3' end. VCF-style (leftmost placement, unchanged base first): chr18-53386057-TATGTA-T. GRCh37 (hg19) VCF-style: chr18-50912427-TATGTA-T.
Other names: short protein forms V793fs.
Identifiers: ClinVar variation 3376699 (VCV003376699.1).

ClinVar aggregate classification (germline): Pathogenic (1 of 4 stars; one submission).

Conditions:
Mirror movements 1 (MRMV1). Identifiers: Orphanet 238722, MedGen C1834870, OMIM 157600, MONDO:0008002.

Submission:

Victorian Clinical Genetics Services, Murdoch Childrens Research Institute
Classification: Pathogenic for Mirror movements 1. Last evaluated: 2022-06-24. Review status: criteria provided, single submitter. Criteria: ACMG Guidelines, 2015. Collection method: clinical testing. Allele origin: germline. Inheritance: Autosomal dominant inheritance. Affected: yes.
Comment: Based on the classification scheme VCGS_Germline_v1.3.4, this variant is classified as Pathogenic. Following criteria are met: 0102 - Loss of function is a known mechanism of disease in this gene and is associated with autosomal dominant mirror movements 1 and/or agenesis of the corpus callosum (MIM#157600) and autosomal recessive gaze palsy, familial horizontal, with progressive scoliosis, 2 (MIM#617542). (I) 0108 - This gene is associated with both recessive and dominant disease. There is currently no established genotype-phenotype correlation in terms of variant types or locations. (I) 0112 - The condition associated with this gene has incomplete penetrance. The penetrance for mirror movements is estimated to be approximately 42% (GeneReviews) while agenesis of the corpus callosum is 26% (OMIM). (I) 0115 - Variants in this gene are known to have variable expressivity. Intrafamilial variability has been reported for autosomal dominant mirror movements 1 and/or agenesis of the corpus callosum (MIM#157600). Specifically, males tend to present with mirror movements without agenesis of the corpus callosum (ACC) while females are more likely to present with isolated ACC (GeneReviews, PMID: 31697046). (I) 0201 - Variant is predicted to cause nonsense-mediated decay (NMD) and loss of protein (premature termination codon is located at least 54 nucleotides upstream of the final exon-exon junction). (SP) 0251 - This variant is heterozygous. (I) 0301 - Variant is absent from gnomAD (both v2 and v3). (SP) 0701 - Other NMD-predicted variants comparable to the one identified in this case have very strong previous evidence for pathogenicity (ClinVar, PMID: 31697046). (SP) 0807 - This variant has no previous evidence of pathogenicity. (I) 0905 - No published segregation evidence has been identified for this variant. (I) 1007 - No published functional evidence has been identified for this variant. (I) Legend: (SP) - Supporting pathogenic, (I) - Information, (SB) - Supporting benign

Literature cited by the submitters: PubMed 31697046.